The following is an entry in ClinVar:

GRCh37/hg19 6q12(chr6:65578764-66019421)x3

Gene: EYS (eyes shut homolog; minus strand). Cytogenetic location: 6q12.
Variant type: copy number gain.
Change: copy number 3 (three copies instead of two) of chr6:65,578,764-66,019,421 (440.7 kb, GRCh37 coordinates, 1-based), cytogenetic band 6q12.
Identifiers: ClinVar variation 1807699 (VCV001807699.1).

ClinVar aggregate classification (germline): Pathogenic (1 of 4 stars; one submission).

Submission:

Quest Diagnostics Nichols Institute San Juan Capistrano
Classification: Pathogenic. Last evaluated: 2021-06-15. Review status: criteria provided, single submitter. Criteria: ACMG/ClinGen CNV Guidelines, 2019. Collection method: clinical testing. Allele origin: unknown.
Comment: The copy number loss of 9q22.31q22.32 involves multiple protein-coding genes including PTCH1 (OMIM 601309) and PHF2 (OMIM 604351). Deletions of this locus have been associated with 9q22.3 microdeletion syndrome (Cayrol J et al. J Pediatr Hematol Oncol. 2019 Nov;41(8):e517-e520. PMID: 30371535), which presents clinical symptoms similar to nevoid basal cell carcinoma syndrome (aka Gorlin syndrome; OMIM 109400). Haploinsufficiency of PTCH1, due to deletions or loss-of-function variants, has been associated with Gorlin syndrome. Gorlin syndrome is an autosomal dominant disorder that can be manifested with multiple basal cell carcinomas, cysts of the jaws, hyperkeratosis of palms and soles, skeletal abnormalities (bifid ribs/hemivertebrae), intracranial ectopic calcifications, facial dysmorphism, and increased risk for medulloblastoma (Lo Muzio, Orphanet J Rare Dis. 2008 Nov 25;3:32; PMID: 19032739). Heterozygous gain-of-function sequence variants of PTCH1 have also been associated with autosomal dominant holoprosencephaly-7 (OMIM 610828). Furthermore, heterozygous sequence variants (missense and truncating) of PHF2 were reported in patients with autism (Iossifov I et al. Nature. 2014 Nov 13;515(7526):216-21. PMID: 25363768; Wang T, et al. Nat Commun. 2016 Nov 8;7:13316. PMID: 27824329). This copy number loss also includes other genes associated with autosomal recessive OMIM phenotypes including FANCC (OMIM 227645) and FBP1 (OMIM 611570).